The following is an entry in ClinVar:

NM_000245.4(MET):c.3811G>C (p.Val1271Leu)

Gene: MET (MET proto-oncogene, receptor tyrosine kinase; plus strand). Cytogenetic location: 7q31.2.
Variant type: single nucleotide variant.
Coding change: c.3811G>C on transcript NM_000245.4 (MANE Select); coding-DNA position 3811, G replaced by C.
Protein change: p.Val1271Leu; replaces valine 1271 with leucine.
Molecular consequence: missense variant.
Genome position (GRCh38, 1-based): chr7:116,795,667, G>C. VCF-style: chr7-116795667-G-C. GRCh37 (hg19) VCF-style: chr7-116435721-G-C.
Other names: c.3865G>C, p.Val1289Leu (NM_001127500.3); c.2521G>C, p.Val841Leu (NM_001324402.2); short protein forms V841L, V1271L, V1289L.
Identifiers: ClinVar variation 1735634 (VCV001735634.3), dbSNP rs751186512, ClinGen allele CA369117747.

ClinVar aggregate classification (germline): Uncertain significance (1 of 4 stars; one submission).

Conditions:
Hereditary cancer-predisposing syndrome. Also called: Neoplastic Syndromes, Hereditary; Tumor predisposition; Hereditary Cancer Syndrome; Hereditary neoplastic syndrome. Identifiers: Orphanet 140162, MedGen C0027672, MeSH D009386, MONDO:0015356.

Submission:

Ambry Genetics
Classification: Uncertain significance for Hereditary cancer-predisposing syndrome. Last evaluated: 2025-02-26. Review status: criteria provided, single submitter. Criteria: Ambry Variant Classification Scheme 2023. Collection method: clinical testing. Allele origin: germline.
Comment: The p.V1289L variant (also known as c.3865G>C), located in coding exon 19 of the MET gene, results from a G to C substitution at nucleotide position 3865. The valine at codon 1289 is replaced by leucine, an amino acid with highly similar properties. This amino acid position is highly conserved in available vertebrate species. In addition, the in silico prediction for this alteration is inconclusive. Based on the available evidence, the clinical significance of this variant remains unclear.